The following is an entry in ClinVar:

ClinVar aggregate classification (germline): Uncertain significance (1 of 4 stars; one submission).

Conditions:
Primary ciliary dyskinesia. Also called: Ciliary dyskinesia. Identifiers: Orphanet 244, MedGen C0008780, MONDO:0016575, HP:0012265.

Submission:

Labcorp Genetics (formerly Invitae), Labcorp
Classification: Uncertain significance for Primary ciliary dyskinesia. Last evaluated: 2022-07-18. Review status: criteria provided, single submitter. Criteria: Invitae Variant Classification Sherloc (09022015). Collection method: clinical testing. Allele origin: germline.
Comment: In summary, the available evidence is currently insufficient to determine the role of this variant in disease. Therefore, it has been classified as a Variant of Uncertain Significance. This sequence change replaces aspartic acid, which is acidic and polar, with alanine, which is neutral and non-polar, at codon 92 of the MCIDAS protein (p.Asp92Ala). This variant is not present in population databases (gnomAD no frequency). This variant has not been reported in the literature in individuals affected with MCIDAS-related conditions. ClinVar contains an entry for this variant (Variation ID: 966423). Algorithms developed to predict the effect of missense changes on protein structure and function are either unavailable or do not agree on the potential impact of this missense change (SIFT: "Deleterious"; PolyPhen-2: "Benign"; Align-GVGD: "Class C25").

NM_001190787.3(MCIDAS):c.275A>C (p.Asp92Ala)

Gene: MCIDAS (multiciliate differentiation and DNA synthesis associated cell cycle protein; minus strand). Cytogenetic location: 5q11.2.
Variant type: single nucleotide variant.
Coding change: c.275A>C on transcript NM_001190787.3 (MANE Select); coding-DNA position 275, A replaced by C.
Protein change: p.Asp92Ala; replaces aspartic acid 92 with alanine.
Molecular consequence: missense variant.
Genome position (GRCh38, 1-based): chr5:55,226,610, T>G on the plus strand (A>C on the coding strand, the complement: MCIDAS is on the minus strand). VCF-style: chr5-55226610-T-G. GRCh37 (hg19) VCF-style: chr5-54522438-T-G.
Other names: short protein forms D92A.
Identifiers: ClinVar variation 966423 (VCV000966423.10), dbSNP rs1745458730, ClinGen allele CA359733814.